The following is an entry in ClinVar:

NM_030665.4(RAI1):c.3690G>T (p.Ala1230=)

Gene: RAI1 (retinoic acid induced 1; plus strand). Cytogenetic location: 17p11.2.
Variant type: single nucleotide variant.
Coding change: c.3690G>T on transcript NM_030665.4 (MANE Select); coding-DNA position 3690, G replaced by T.
Protein change: p.Ala1230=; no amino-acid change (alanine 1230 retained).
Molecular consequence: synonymous variant.
Genome position (GRCh38, 1-based): chr17:17,796,638, G>T. VCF-style: chr17-17796638-G-T. GRCh37 (hg19) VCF-style: chr17-17699952-G-T.
Identifiers: ClinVar variation 3033844 (VCV003033844.2), dbSNP rs760757169, ClinGen allele CA288370557.

ClinVar aggregate classification (germline): Likely benign (0 of 4 stars; one submission).

Conditions:
RAI1-related disorder. Also called: RAI1-related condition.

gnomAD v4.1: 3 of 1,611,804 alleles (0.00019%); highest among the groups gnomAD compares: Middle Eastern, 0.016%; no homozygotes.

Submission:

PreventionGenetics, part of Exact Sciences
Classification: Likely benign for RAI1-related condition. Last evaluated: 2024-01-08. Review status: no assertion criteria provided. Collection method: clinical testing. Allele origin: germline.
Comment: This variant is classified as likely benign based on ACMG/AMP sequence variant interpretation guidelines (Richards et al. 2015 PMID: 25741868, with internal and published modifications).